The following is an entry in ClinVar:

NM_001399.5(EDA):c.589dup (p.Gln197fs)

Gene: EDA (ectodysplasin A; plus strand). Cytogenetic location: Xq13.1.
Variant type: Duplication.
Coding change: c.589dup on transcript NM_001399.5 (MANE Select); coding-DNA position 589, one base duplicated (C; older notation c.589dupC).
Protein change: p.Gln197fs; shifts the reading frame from glutamine 197.
Molecular consequence: frameshift variant.
Genome position (GRCh38, 1-based): chrX:70,027,919, C duplicated; the last of 4 consecutive C bases (chrX:70,027,916-70,027,919); duplicating any one gives the same sequence. VCF-style (leftmost placement, unchanged base first): chrX-70027915-A-AC. GRCh37 (hg19) VCF-style: chrX-69247765-A-AC.
Other names: c.589dup, p.Gln197fs (NM_001005609.2, NM_001005612.3, NM_001440761.1 and 1 more transcripts); short protein forms Q197fs.
Identifiers: ClinVar variation 4721927 (VCV004721927.1).

ClinVar aggregate classification (germline): Pathogenic (1 of 4 stars; one submission).

Conditions:
Hypohidrotic X-linked ectodermal dysplasia (XHED). Also called: ECTODERMAL DYSPLASIA, HYPOHIDROTIC, 1; CST SYNDROME; Anhidrotic ectodermal dysplasia X-linked; Christ Siemens Touraine syndrome; ECTODERMAL DYSPLASIA 1, HYPOHIDROTIC, X-LINKED; ECTODERMAL DYSPLASIA 1, HYPOHIDROTIC/HAIR/TOOTH TYPE, X-LINKED. Identifiers: Orphanet 181, Orphanet 238468, MedGen C0162359, MONDO:0010585, OMIM 305100.

Submission:

Labcorp Genetics (formerly Invitae), Labcorp
Classification: Pathogenic for Hypohidrotic X-linked ectodermal dysplasia. Last evaluated: 2025-06-22. Review status: criteria provided, single submitter. Criteria: Invitae Variant Classification Sherloc (09022015). Collection method: clinical testing. Allele origin: germline.
Comment: This sequence change creates a premature translational stop signal (p.Gln197Profs*43) in the EDA gene. It is expected to result in an absent or disrupted protein product. Loss-of-function variants in EDA are known to be pathogenic (PMID: 9683615). This variant is not present in population databases (gnomAD no frequency). This variant has not been reported in the literature in individuals affected with EDA-related conditions. For these reasons, this variant has been classified as Pathogenic.

Literature cited by the submitters: PubMed 9683615.